The following is an entry in ClinVar:

ClinVar aggregate classification (germline): Uncertain significance (1 of 4 stars; one submission).

Conditions:
Cardiovascular phenotype. Identifiers: MedGen CN230736.

Submission:

Ambry Genetics
Classification: Uncertain significance for Cardiovascular phenotype. Last evaluated: 2025-09-17. Review status: criteria provided, single submitter. Criteria: Ambry Variant Classification Scheme 2023. Collection method: clinical testing. Allele origin: germline.
Comment: The p.T637I variant (also known as c.1910C>T), located in coding exon 9 of the MYPN gene, results from a C to T substitution at nucleotide position 1910. The threonine at codon 637 is replaced by isoleucine, an amino acid with similar properties. This amino acid position is conserved. In addition, this alteration is predicted to be tolerated by in silico analysis. Based on the available evidence, the clinical significance of this variant remains unclear.

NM_032578.4(MYPN):c.1910C>T (p.Thr637Ile)

Gene: MYPN (myopalladin; plus strand). Cytogenetic location: 10q21.3.
Variant type: single nucleotide variant.
Coding change: c.1910C>T on transcript NM_032578.4 (MANE Select); coding-DNA position 1910, C replaced by T.
Protein change: p.Thr637Ile; replaces threonine 637 with isoleucine.
Molecular consequence: missense variant. On other transcripts: non-coding transcript variant (2).
Genome position (GRCh38, 1-based): chr10:68,166,603, C>T. VCF-style: chr10-68166603-C-T. GRCh37 (hg19) VCF-style: chr10-69926360-C-T.
Other names: c.1910C>T, p.Thr637Ile (NM_001256267.2); c.1028C>T, p.Thr343Ile (NM_001256268.2); short protein forms T637I, T343I.
Identifiers: ClinVar variation 4614663 (VCV004614663.1).